The following is an entry in ClinVar:

ClinVar aggregate classification (germline): Uncertain significance (1 of 4 stars; one submission).

Allele frequency attached by ClinVar (database versions not stated): gnomAD exomes 0.00001; TOPMed 0.00001; gnomAD 0.00002; ExAC 0.00003.
gnomAD v4.1: 22 of 1,613,760 alleles (0.0014%); highest among the groups gnomAD compares: East Asian, 0.0067%; no homozygotes.

Submission:

Labcorp Genetics (formerly Invitae), Labcorp
Classification: Uncertain significance. Last evaluated: 2023-04-13. Review status: criteria provided, single submitter. Criteria: Invitae Variant Classification Sherloc (09022015). Collection method: clinical testing. Allele origin: germline.
Comment: In summary, the available evidence is currently insufficient to determine the role of this variant in disease. Therefore, it has been classified as a Variant of Uncertain Significance. An algorithm developed to predict the effect of missense changes on protein structure and function (PolyPhen-2) suggests that this variant is likely to be disruptive. This variant has not been reported in the literature in individuals affected with BNC2-related conditions. This variant is present in population databases (rs767237156, gnomAD 0.01%). This sequence change replaces arginine, which is basic and polar, with glutamine, which is neutral and polar, at codon 512 of the BNC2 protein (p.Arg512Gln).

NM_017637.6(BNC2):c.1535G>A (p.Arg512Gln)

Gene: BNC2 (basonuclin zinc finger protein 2; minus strand). Cytogenetic location: 9p22.3.
Variant type: single nucleotide variant.
Coding change: c.1535G>A on transcript NM_017637.6 (MANE Select); coding-DNA position 1535, G replaced by A.
Protein change: p.Arg512Gln; replaces arginine 512 with glutamine.
Molecular consequence: missense variant.
Genome position (GRCh38, 1-based): chr9:16,436,659, C>T on the plus strand (G>A on the coding strand, the complement: BNC2 is on the minus strand). VCF-style: chr9-16436659-C-T. GRCh37 (hg19) VCF-style: chr9-16436657-C-T.
Other names: c.1409G>A, p.Arg470Gln (NM_001317939.2); c.1250G>A, p.Arg417Gln (NM_001317940.2); short protein forms R470Q, R417Q, R512Q.
Identifiers: ClinVar variation 2970127 (VCV002970127.3), dbSNP rs767237156, ClinGen allele CA4996055.